The following is an entry in ClinVar:

NM_006516.4(SLC2A1):c.19-207T>C

Gene: SLC2A1 (solute carrier family 2 member 1; minus strand). Cytogenetic location: 1p34.2.
Variant type: single nucleotide variant.
Coding change: c.19-207T>C on transcript NM_006516.4 (MANE Select); 207 bases into the intron before coding-DNA position 19, T replaced by C.
Molecular consequence: intron variant.
Genome position (GRCh38, 1-based): chr1:42,943,528, A>G on the plus strand (T>C on the coding strand, the complement: SLC2A1 is on the minus strand). VCF-style: chr1-42943528-A-G. GRCh37 (hg19) VCF-style: chr1-43409199-A-G.
Identifiers: ClinVar variation 424896 (VCV000424896.54), dbSNP rs41310434, ClinGen allele CA16621563.
Genomic context (GRCh38, chr1:42,943,528, plus strand): 5'-TCCTGACCTTAGGTGCCCAAACCAGCCTAGCTGACTTCAAGATACTGGGCTGGCCGGGCC[A>G]TTTCCTGGGGAGAGAGGGGAAGTATGATCTTCTCTCTCTGTAGCCAGGTCTCAGAGAGGG-3'

ClinVar aggregate classification (germline): Benign. Review status: criteria provided, multiple submitters, no conflicts (2 of 4 stars). 9 submissions from 5 submitters: Benign (9). Last evaluated 2026-09-01.

Conditions:
Dystonia 9 (DYT9). Also called: CHOREOATHETOSIS, KINESIGENIC, WITH EPISODIC ATAXIA AND SPASTICITY. Identifiers: Orphanet 53583, MedGen C1832855, MONDO:0010983, OMIM 601042.
Epilepsy, idiopathic generalized, susceptibility to, 12 (EIG12). Identifiers: MedGen C3553859, MONDO:0013919, OMIM 614847.
Childhood onset GLUT1 deficiency syndrome 2. Also called: PxMD-SLC2A1; Exertion-induced paroxysmal dyskinesia; PAROXYSMAL EXERCISE-INDUCED DYSKINESIA WITH OR WITHOUT EPILEPSY AND/OR HEMOLYTIC ANEMIA; PAROXYSMAL EXERTION-INDUCED DYSTONIA WITH OR WITHOUT EPILEPSY AND/OR HEMOLYTIC ANEMIA; PED WITH OR WITHOUT EPILEPSY AND/OR HEMOLYTIC ANEMIA; Paroxysmal exercise-induced dystonia. Identifiers: Orphanet 98811, MedGen C1842534, MONDO:0012805, OMIM 612126.
Encephalopathy due to GLUT1 deficiency. Also called: GLUT1 deficiency syndrome 1, infantile onset, severe; Classic Glucose Transporter Type 1 Deficiency Syndrome; De Vivo disease; GLUCOSE TRANSPORT DEFECT, BLOOD-BRAIN BARRIER; Glucose transporter protein syndrome; GLUT1 deficiency syndrome 1. Identifiers: Orphanet 71277, MedGen C4551966, MONDO:0011724, OMIM 606777.
GLUT1 deficiency syndrome 1, autosomal recessive. Identifiers: MedGen C3149117.
Hereditary cryohydrocytosis with reduced stomatin. Also called: Stomatin-deficient cryohydrocytosis with neurologic defects; GLUT1 DEFICIENCY SYNDROME WITH PSEUDOHYPERKALEMIA AND HEMOLYSIS. Identifiers: Orphanet 168577, MedGen C1837206, MONDO:0012143, OMIM 608885.

Allele frequency attached by ClinVar (database versions not stated): 1000 Genomes Project 30x 0.00843; 1000 Genomes Project 0.00859; gnomAD 0.01121 and 0.01173; TOPMed 0.01312.
gnomAD v4.1: 1,782 of 152,192 alleles (1.2%); highest among the groups gnomAD compares: Middle Eastern, 6.1%; 26 homozygotes.

Submissions (9):

CeGaT Center for Human Genetics Tuebingen
Classification: Benign. Last evaluated: 2026-09-01. Review status: criteria provided, single submitter. Criteria: CeGaT Center For Human Genetics Tuebingen Variant Classification Criteria Version 2. Collection method: clinical testing. Allele origin: germline. Affected: yes. Observed: 253 variant alleles.
Comment: SLC2A1: BS1, BS2

Labcorp Genetics (formerly Invitae), Labcorp
Classification: Benign for GLUT1 deficiency syndrome 1, autosomal recessive. Last evaluated: 2026-01-12. Review status: criteria provided, single submitter. Criteria: Invitae Variant Classification Sherloc (09022015). Collection method: clinical testing. Allele origin: germline.

Genome-Nilou Lab
Classification: Benign for Epilepsy, idiopathic generalized, susceptibility to, 12. Last evaluated: 2023-04-11. Review status: criteria provided, single submitter. Criteria: ACMG Guidelines, 2015. Collection method: clinical testing. Allele origin: germline. Affected: no.

Genome-Nilou Lab
Classification: Benign for Dystonia 9. Last evaluated: 2023-04-11. Review status: criteria provided, single submitter. Criteria: ACMG Guidelines, 2015. Collection method: clinical testing. Allele origin: germline. Affected: no.

Genome-Nilou Lab
Classification: Benign for Encephalopathy due to GLUT1 deficiency. Last evaluated: 2023-04-11. Review status: criteria provided, single submitter. Criteria: ACMG Guidelines, 2015. Collection method: clinical testing. Allele origin: germline. Affected: no.

Genome-Nilou Lab
Classification: Benign for Childhood onset GLUT1 deficiency syndrome 2. Last evaluated: 2023-04-11. Review status: criteria provided, single submitter. Criteria: ACMG Guidelines, 2015. Collection method: clinical testing. Allele origin: germline. Affected: no.

Genome-Nilou Lab
Classification: Benign for Hereditary cryohydrocytosis with reduced stomatin. Last evaluated: 2023-04-11. Review status: criteria provided, single submitter. Criteria: ACMG Guidelines, 2015. Collection method: clinical testing. Allele origin: germline. Affected: no.

Eurofins Ntd Llc (ga)
Classification: Benign. Last evaluated: 2017-01-24. Review status: criteria provided, single submitter. Criteria: EGL Classification Definitions 2015. Collection method: clinical testing. Allele origin: germline. Observed: 1 variant allele, 1 heterozygote.

Breakthrough Genomics
Classification: Benign. Review status: criteria provided, single submitter. Criteria: ACMG Guidelines, 2015. Collection method: not provided. Allele origin: germline. Inheritance: Autosomal dominant inheritance. Affected: yes.